The following is an entry in ClinVar:

NM_001164508.2(NEB):c.12100T>A (p.Cys4034Ser)

Gene: NEB (nebulin; minus strand). Cytogenetic location: 2q23.3.
Variant type: single nucleotide variant.
Coding change: c.12100T>A on transcript NM_001164508.2 (MANE Select); coding-DNA position 12100, T replaced by A.
Protein change: p.Cys4034Ser; replaces cysteine 4034 with serine.
Molecular consequence: missense variant.
Genome position (GRCh38, 1-based): chr2:151,610,039, A>T on the plus strand (T>A on the coding strand, the complement: NEB is on the minus strand). VCF-style: chr2-151610039-A-T. GRCh37 (hg19) VCF-style: chr2-152466553-A-T.
Other names: c.12100T>A, p.Cys4034Ser (NM_001164507.2, NM_001271208.2); c.11371T>A, p.Cys3791Ser (NM_004543.5); c.11371T>A (NM_004543.4); short protein forms C3791S, C4034S.
Identifiers: ClinVar variation 1412928 (VCV001412928.5), dbSNP rs973939120, ClinGen allele CA57632860.

ClinVar aggregate classification (germline): Uncertain significance. Review status: criteria provided, multiple submitters, no conflicts (2 of 4 stars). 2 submissions from 2 submitters: Uncertain significance (2). Last evaluated 2025-10-29.

Conditions:
Nemaline myopathy 2 (NEM2). Also called: Nemaline myopathy 2, autosomal recessive. Identifiers: MedGen C1850569, MONDO:0009725, OMIM 256030.
Inborn genetic diseases. Identifiers: MedGen C0950123, MeSH D030342.

Allele frequency attached by ClinVar (database versions not stated): gnomAD exomes below 0.00001 and 0.00001; TOPMed below 0.00001.
gnomAD v4.1: 7 of 1,613,826 alleles (0.00043%); highest among the groups gnomAD compares: Non-Finnish European, 0.00059%; no homozygotes.

Submissions (2):

Labcorp Genetics (formerly Invitae), Labcorp
Classification: Uncertain significance for Nemaline myopathy 2. Last evaluated: 2025-10-29. Review status: criteria provided, single submitter. Criteria: Invitae Variant Classification Sherloc (09022015). Collection method: clinical testing. Allele origin: germline.
Comment: This sequence change replaces cysteine, which is neutral and slightly polar, with serine, which is neutral and polar, at codon 4034 of the NEB protein (p.Cys4034Ser). This variant is present in population databases (no rsID available, gnomAD 0.0009%). This variant has not been reported in the literature in individuals affected with NEB-related conditions. ClinVar contains an entry for this variant (Variation ID: 1412928). Experimental studies and prediction algorithms are not available or were not evaluated, and the functional significance of this variant is currently unknown. In summary, the available evidence is currently insufficient to determine the role of this variant in disease. Therefore, it has been classified as a Variant of Uncertain Significance.

Ambry Genetics
Classification: Uncertain significance for Inborn genetic diseases. Last evaluated: 2021-09-17. Review status: criteria provided, single submitter. Criteria: Ambry Variant Classification Scheme 2023. Collection method: clinical testing. Allele origin: germline.